The following is an entry in ClinVar:

NM_000057.4(BLM):c.3479A>G (p.Tyr1160Cys)

Gene: BLM (BLM RecQ like helicase; plus strand). Cytogenetic location: 15q26.1.
Variant type: single nucleotide variant.
Coding change: c.3479A>G on transcript NM_000057.4 (MANE Select); coding-DNA position 3479, A replaced by G.
Protein change: p.Tyr1160Cys; replaces tyrosine 1160 with cysteine.
Molecular consequence: missense variant. On other transcripts: intron variant (1).
Genome position (GRCh38, 1-based): chr15:90,803,641, A>G. VCF-style: chr15-90803641-A-G. GRCh37 (hg19) VCF-style: chr15-91346871-A-G.
Other names: c.3479A>G, p.Tyr1160Cys (NM_001287246.2); c.2354A>G, p.Tyr785Cys (NM_001287248.2); c.3358+5304A>G (NM_001287247.2); short protein forms Y1160C, Y785C.
Identifiers: ClinVar variation 3991624 (VCV003991624.1).
Genomic context (GRCh38, chr15:90,803,641, plus strand): 5'-ACAATGCCGAAAGACTTTTTAAAAAGCTGATACTTGACAAGATTTTGGATGAAGACTTAT[A>G]TATCAATGCCAATGACCAGGCGATCGCTTATGTGATGCTCGGAAATAAAGCCCAAACTGT-3'
Protein context (NP_000048.1, residues 1150-1170): ILDKILDEDL[Tyr1160Cys]INANDQAIAY

ClinVar aggregate classification (germline): Uncertain significance (1 of 4 stars; one submission).

Conditions:
Hereditary cancer-predisposing syndrome. Also called: Tumor predisposition; Hereditary neoplastic syndrome; Neoplastic Syndromes, Hereditary; Hereditary Cancer Syndrome. Identifiers: Orphanet 140162, MedGen C0027672, MeSH D009386, MONDO:0015356.

Submission:

Ambry Genetics
Classification: Uncertain significance for Hereditary cancer-predisposing syndrome. Last evaluated: 2025-03-15. Review status: criteria provided, single submitter. Criteria: Ambry Variant Classification Scheme 2023. Collection method: clinical testing. Allele origin: germline.
Comment: The p.Y1160C variant (also known as c.3479A>G), located in coding exon 17 of the BLM gene, results from an A to G substitution at nucleotide position 3479. The tyrosine at codon 1160 is replaced by cysteine, an amino acid with highly dissimilar properties. This amino acid position is conserved. In addition, this alteration is predicted to be tolerated by in silico analysis. Based on the available evidence, the clinical significance of this variant remains unclear.